The following is an entry in ClinVar:

NM_006361.6(HOXB13):c.645C>T (p.Arg215=)

Gene: HOXB13 (homeobox B13; minus strand). Cytogenetic location: 17q21.32.
Variant type: single nucleotide variant.
Coding change: c.645C>T on transcript NM_006361.6 (MANE Select); coding-DNA position 645, C replaced by T.
Protein change: p.Arg215=; no amino-acid change (arginine 215 retained).
Molecular consequence: synonymous variant.
Genome position (GRCh38, 1-based): chr17:48,727,000, G>A on the plus strand (C>T on the coding strand, the complement: HOXB13 is on the minus strand). VCF-style: chr17-48727000-G-A. GRCh37 (hg19) VCF-style: chr17-46804362-G-A.
Identifiers: ClinVar variation 1141106 (VCV001141106.13), dbSNP rs931880786, ClinGen allele CA500501151.

ClinVar aggregate classification (germline): Benign/Likely benign. Review status: criteria provided, multiple submitters, no conflicts (2 of 4 stars). 3 submissions from 3 submitters: Benign (1); Likely benign (2). Last evaluated 2025-03-20.

Conditions:
Prostate cancer, hereditary, 9 (HPC9). Identifiers: Orphanet 1331, MedGen C1970250, MONDO:0012597, OMIM 610997.
Hereditary cancer-predisposing syndrome. Also called: Hereditary Cancer Syndrome; Neoplastic Syndromes, Hereditary; Hereditary neoplastic syndrome; Tumor predisposition. Identifiers: Orphanet 140162, MedGen C0027672, MeSH D009386, MONDO:0015356.

gnomAD v4.1: 3 of 1,610,946 alleles (0.00019%); highest among the groups gnomAD compares: Non-Finnish European, 0.00025%; no homozygotes.

Submissions (3):

Labcorp Genetics (formerly Invitae), Labcorp
Classification: Likely benign. Last evaluated: 2025-03-20. Review status: criteria provided, single submitter. Criteria: Invitae Variant Classification Sherloc (09022015). Collection method: clinical testing. Allele origin: germline.

Myriad Genetics, Inc.
Classification: Benign for Prostate cancer, hereditary, 9. Last evaluated: 2024-10-30. Review status: criteria provided, single submitter. Criteria: Myriad Autosomal Dominant, Autosomal Recessive and X-Linked Classification Criteria (2023). Collection method: clinical testing. Allele origin: unknown.
Comment: This variant is considered benign. This variant is a silent/synonymous amino acid change and it is not expected to impact splicing.

Ambry Genetics
Classification: Likely benign for Hereditary cancer-predisposing syndrome. Last evaluated: 2021-07-09. Review status: criteria provided, single submitter. Criteria: Ambry Variant Classification Scheme 2023. Collection method: clinical testing. Allele origin: germline.